The following is an entry in ClinVar:

NM_005359.6(SMAD4):c.449G>A (p.Ser150Asn)

Gene: SMAD4 (SMAD family member 4; plus strand). Cytogenetic location: 18q21.2.
Variant type: single nucleotide variant.
Coding change: c.449G>A on transcript NM_005359.6 (MANE Select); coding-DNA position 449, G replaced by A.
Protein change: p.Ser150Asn; replaces serine 150 with asparagine.
Molecular consequence: missense variant.
Genome position (GRCh38, 1-based): chr18:51,049,319, G>A. VCF-style: chr18-51049319-G-A. GRCh37 (hg19) VCF-style: chr18-48575689-G-A.
Other names: short protein forms S150N.
Identifiers: ClinVar variation 460553 (VCV000460553.17), dbSNP rs750355699, ClinGen allele CA8965791.

ClinVar aggregate classification (germline): Conflicting classifications of pathogenicity. Review status: criteria provided, conflicting classifications (1 of 4 stars). 6 submissions from 6 submitters: Uncertain significance (1); Benign (2); Likely benign (2). 1 of the submissions does not count toward it. Last evaluated 2026-01-01.

Conditions:
Juvenile polyposis syndrome (JPS). Identifiers: Orphanet 2929, MedGen C0345893, MONDO:0017380, OMIM 174900.
Hereditary cancer-predisposing syndrome. Also called: Neoplastic Syndromes, Hereditary; Hereditary Cancer Syndrome; Hereditary neoplastic syndrome; Tumor predisposition. Identifiers: Orphanet 140162, MedGen C0027672, MeSH D009386, MONDO:0015356.
Familial thoracic aortic aneurysm and aortic dissection (TAAD). Also called: Thoracic aortic aneurysms and dissections. Identifiers: Orphanet 91387, MedGen C4707243, MONDO:0019625.
Juvenile polyposis/hereditary hemorrhagic telangiectasia syndrome (JPHT). Also called: POLYPOSIS, GENERALIZED JUVENILE, WITH PULMONARY ARTERIOVENOUS MALFORMATION; TELANGIECTASIA, HEREDITARY HEMORRHAGIC, WITH JUVENILE POLYPOSIS COLI; Juvenile Polyposis Syndrome / Hereditary Hemorrhagic Telangiectasia (JPS/HHT); JP/HHT SYNDROME; JUVENILE POLYPOSIS WITH HEREDITARY HEMORRHAGIC TELANGIECTASIA. Identifiers: Orphanet 2929, MedGen C1832942, MONDO:0008278, OMIM 175050.

Allele frequency attached by ClinVar (database versions not stated): gnomAD exomes below 0.00001 and 0.00004; gnomAD 0.00001; TOPMed 0.00001; ExAC 0.00004.
gnomAD v4.1: 9 of 1,595,974 alleles (0.00056%); highest among the groups gnomAD compares: East Asian, 0.016%; no homozygotes.

Submissions (6):

Labcorp Genetics (formerly Invitae), Labcorp
Classification: Benign for Juvenile polyposis syndrome. Last evaluated: 2026-01-01. Review status: criteria provided, single submitter. Criteria: Invitae Variant Classification Sherloc (09022015). Collection method: clinical testing. Allele origin: germline.

All of Us Research Program, National Institutes of Health
Classification: Likely benign for Juvenile polyposis/hereditary hemorrhagic telangiectasia syndrome. Last evaluated: 2024-03-14. Review status: criteria provided, single submitter. Criteria: ACMG Guidelines, 2015. Collection method: clinical testing. Allele origin: germline. Inheritance: Autosomal dominant inheritance. Observed: 1 variant allele, 1 heterozygote.
Comment: This study involves interpretation of variants in research participants for the purpose of population health screening. Participant phenotype was not available at the time of variant classification. Additional details can be found in publication PMID: 35346344, PMCID: PMC8962531

Color Diagnostics, LLC DBA Color Health
Classification: Likely benign for Hereditary cancer-predisposing syndrome. Last evaluated: 2024-02-16. Review status: criteria provided, single submitter. Criteria: ACMG Guidelines, 2015. Collection method: clinical testing. Allele origin: germline.

Myriad Genetics, Inc.
Classification: Uncertain significance for Juvenile polyposis/hereditary hemorrhagic telangiectasia syndrome. Last evaluated: 2023-04-10. Review status: criteria provided, single submitter. Criteria: Myriad Autosomal Dominant, Autosomal Recessive and X-Linked Classification Criteria (2023). Collection method: clinical testing. Allele origin: unknown.
Comment: This variant is classified as a variant of uncertain significance as there is insufficient evidence to determine its impact on protein function and/or cancer risk.

Ambry Genetics
Classification: Benign for Hereditary cancer-predisposing syndrome; Familial thoracic aortic aneurysm and aortic dissection. Last evaluated: 2022-04-18. Review status: criteria provided, single submitter. Criteria: Ambry Variant Classification Scheme 2023. Collection method: clinical testing. Allele origin: germline.

Counsyl
Classification: Uncertain significance for Juvenile polyposis syndrome. Last evaluated: 2018-03-26. Review status: no assertion criteria provided. Collection method: clinical testing. Allele origin: unknown. Not counted in ClinVar's aggregate classification.